The following is an entry in ClinVar:

ClinVar aggregate classification (germline): Likely benign. Review status: reviewed by expert panel (3 of 4 stars). 9 submissions from 8 submitters: Likely benign (1). 8 of the submissions do not count toward it. Last evaluated 2019-10-29.

Conditions:
CDH23-related disorder. Also called: CDH23-related condition; CDH23-related disorders.
Autosomal recessive nonsyndromic hearing loss 12. Also called: DEAFNESS, AUTOSOMAL RECESSIVE 12. Identifiers: Orphanet 90636, MedGen C1832394, MONDO:0011067, OMIM 601386.
Pituitary adenoma 5, multiple types. Identifiers: MedGen C4539685, MONDO:0054601, OMIM 617540.
Usher syndrome type 1D (USH1D). Also called: USHER SYNDROME, TYPE ID. Identifiers: Orphanet 231169, Orphanet 886, MedGen C1832845, MONDO:0010984, OMIM 601067.
Usher syndrome. Also called: Usher Syndromes; Usher's syndrome. Identifiers: Orphanet 886, MedGen CN469326, MeSH D052245, MONDO:0019501. Disease mechanism: loss of function.

Allele frequency attached by ClinVar (database versions not stated): TOPMed 0.00006; gnomAD 0.00007 and 0.00008; ESP Exome Variant Server 0.00008; gnomAD exomes 0.00016 and 0.00030; ExAC 0.00030; 1000 Genomes Project 30x 0.00031; 1000 Genomes Project 0.00040.
gnomAD v4.1: 244 of 1,613,738 alleles (0.015%); highest among the groups gnomAD compares: East Asian, 0.18%; no homozygotes.

Submissions (9):

ClinGen Hearing Loss Variant Curation Expert Panel
Classification: Likely benign for Usher syndrome. Last evaluated: 2019-10-29. Review status: reviewed by expert panel. Criteria: ClinGen HL ACMG Specifications v1. Collection method: curation. Allele origin: germline. Inheritance: Autosomal recessive inheritance.
Comment: The c.5131 (p.Val1711Ile) variant has been identified in 0.3% (51/19534 CI 95%) of East Asian alleles in gnomAD (BS1). This variant was observed in 1 patient with Usher syndrome, without a second variant in CDH23 (PMID: 25333064). Computational prediction analysis using the metapredictor tool REVEL produced a score of .17; this combined with the presence of the isoleucine amino acid at position 1711 in 5 organisms including 3 mammals in UCSC suggests that the variant may not impact the protein (BP4). In summary, this variant meets criteria to be classified as likely benign. ACMG/AMP criteria applied, as specified by the Hearing Loss Expert Panel: BS1, BP4.

Labcorp Genetics (formerly Invitae), Labcorp
Classification: Likely benign. Last evaluated: 2026-02-01. Review status: criteria provided, single submitter. Criteria: Invitae Variant Classification Sherloc (09022015). Collection method: clinical testing. Allele origin: germline. Not counted in ClinVar's aggregate classification.

PreventionGenetics, part of Exact Sciences
Classification: Likely benign for CDH23-related condition. Last evaluated: 2025-03-25. Review status: criteria provided, single submitter. Criteria: ACMG Guidelines, 2015. Collection method: clinical testing. Allele origin: germline. Not counted in ClinVar's aggregate classification.
Comment: This variant is classified as likely benign based on ACMG/AMP sequence variant interpretation guidelines (Richards et al. 2015 PMID: 25741868, with internal and published modifications).

Blueprint Genetics
Classification: Likely benign. Last evaluated: 2024-04-09. Review status: criteria provided, single submitter. Criteria: ACMG Guidelines, 2015. Collection method: clinical testing. Allele origin: germline. Not counted in ClinVar's aggregate classification.

Fulgent Genetics
Classification: Likely benign for Usher syndrome type 1D; Autosomal recessive nonsyndromic hearing loss 12; Pituitary adenoma 5, multiple types. Last evaluated: 2022-05-24. Review status: criteria provided, single submitter. Criteria: ACMG Guidelines, 2015. Collection method: clinical testing. Allele origin: unknown. Not counted in ClinVar's aggregate classification.

GeneDx
Classification: Uncertain significance. Last evaluated: 2019-10-08. Review status: criteria provided, single submitter. Criteria: GeneDx Variant Classification Process June 2021. Collection method: clinical testing. Allele origin: germline. Affected: yes. Not counted in ClinVar's aggregate classification.
Comment: In silico analysis, which includes protein predictors and evolutionary conservation, supports that this variant does not alter protein structure/function; This variant is associated with the following publications: (PMID: 22899989, 25333064, 30245029, 25587757, 25963016, 17850630, 33229591)

Illumina Laboratory Services, Illumina
Classification: Uncertain significance for Usher syndrome type 1D. Last evaluated: 2017-04-27. Review status: criteria provided, single submitter. Criteria: ICSL Variant Classification Criteria 13 December 2019. Collection method: clinical testing. Allele origin: germline. Not counted in ClinVar's aggregate classification.
Comment: This variant was observed as part of a predisposition screen in an ostensibly healthy population. A literature search was performed for the gene, cDNA change, and amino acid change (where applicable). Publications were found based on this search. However, the evidence from the literature, in combination with allele frequency data from public databases where available, was not sufficient to rule this variant in or out of causing disease. Therefore, this variant is classified as a variant of unknown significance.

Illumina Laboratory Services, Illumina
Classification: Uncertain significance for Autosomal recessive nonsyndromic hearing loss 12. Last evaluated: 2017-04-27. Review status: criteria provided, single submitter. Criteria: ICSL Variant Classification Criteria 13 December 2019. Collection method: clinical testing. Allele origin: germline. Not counted in ClinVar's aggregate classification.
Comment: the same text as in the submission from Illumina Laboratory Services, Illumina above.

Eurofins Ntd Llc (ga)
Classification: Uncertain significance. Last evaluated: 2014-07-11. Review status: criteria provided, single submitter. Criteria: EGL Classification Definitions 2015. Collection method: clinical testing. Allele origin: germline. Observed: 1 variant allele, 1 heterozygote. Not counted in ClinVar's aggregate classification.

Literature cited by the submitters: PubMed 25333064 (cited by Illumina Laboratory Services, Illumina); PubMed 25587757 (cited by Illumina Laboratory Services, Illumina); PubMed 22899989 (cited by Illumina Laboratory Services, Illumina); PubMed 17850630 (cited by Illumina Laboratory Services, Illumina).

NM_022124.6(CDH23):c.5131G>A (p.Val1711Ile)

Gene: CDH23 (cadherin related 23; plus strand). Cytogenetic location: 10q22.1.
Variant type: single nucleotide variant.
Coding change: c.5131G>A on transcript NM_022124.6 (MANE Select); coding-DNA position 5131, G replaced by A.
Protein change: p.Val1711Ile; replaces valine 1711 with isoleucine.
Molecular consequence: missense variant.
Genome position (GRCh38, 1-based): chr10:71,778,252, G>A. VCF-style: chr10-71778252-G-A. GRCh37 (hg19) VCF-style: chr10-73538009-G-A.
Other names: short protein forms V1711I.
Identifiers: ClinVar variation 197422 (VCV000197422.26), dbSNP rs181611778, ClinGen allele CA245543.